The following is an entry in ClinVar:

NM_014254.3(RXYLT1):c.1016A>G (p.Tyr339Cys)

Gene: RXYLT1 (ribitol xylosyltransferase 1; plus strand). Cytogenetic location: 12q14.2.
Variant type: single nucleotide variant.
Coding change: c.1016A>G on transcript NM_014254.3 (MANE Select); coding-DNA position 1016, A replaced by G.
Protein change: p.Tyr339Cys; replaces tyrosine 339 with cysteine.
Molecular consequence: missense variant.
Genome position (GRCh38, 1-based): chr12:63,808,776, A>G. VCF-style: chr12-63808776-A-G. GRCh37 (hg19) VCF-style: chr12-64202556-A-G.
Other names: c.236A>G, p.Tyr79Cys (NM_001278237.2); short protein forms Y339C, Y79C.
Identifiers: ClinVar variation 39604 (VCV000039604.18), dbSNP rs150736997, ClinGen allele CA130399.

ClinVar aggregate classification (germline): Pathogenic/Likely pathogenic. Review status: criteria provided, multiple submitters, no conflicts (2 of 4 stars). 6 submissions from 6 submitters: Pathogenic (1); Likely pathogenic (4). 1 of the submissions does not count toward it. Last evaluated 2025-12-03.

Conditions:
Walker-Warburg congenital muscular dystrophy. Also called: Muscular dystrophy-dystroglycanopathy, type A; Walker-Warburg syndrome. Identifiers: Orphanet 899, MedGen C0265221, MONDO:0000171.
Muscular dystrophy-dystroglycanopathy (congenital with brain and eye anomalies), type a, 10 (MDDGA10). Also called: WALKER-WARBURG SYNDROME OR MUSCLE-EYE-BRAIN DISEASE, TMEM5-RELATED. Identifiers: Orphanet 899, MedGen C3554381, MONDO:0014022, OMIM 615041.

Allele frequency attached by ClinVar (database versions not stated): gnomAD 0.00002; gnomAD exomes 0.00002 and 0.00006; ExAC 0.00002; TOPMed 0.00004; ESP Exome Variant Server 0.00008.
gnomAD v4.1: 93 of 1,613,278 alleles (0.0058%); highest among the groups gnomAD compares: Non-Finnish European, 0.0077%; no homozygotes.

Submissions (6):

Labcorp Genetics (formerly Invitae), Labcorp
Classification: Likely pathogenic. Last evaluated: 2025-12-03. Review status: criteria provided, single submitter. Criteria: Invitae Variant Classification Sherloc (09022015). Collection method: clinical testing. Allele origin: germline.
Comment: This sequence change replaces tyrosine, which is neutral and polar, with cysteine, which is neutral and slightly polar, at codon 339 of the RXYLT1 protein (p.Tyr339Cys). This variant is present in population databases (rs150736997, gnomAD 0.004%). This missense change has been observed in individuals with severe dystroglycanopathy (PMID: 23217329). It has also been observed to segregate with disease in related individuals. ClinVar contains an entry for this variant (Variation ID: 39604). Invitae Evidence Modeling of protein sequence and biophysical properties (such as structural, functional, and spatial information, amino acid conservation, physicochemical variation, residue mobility, and thermodynamic stability) indicates that this missense variant is expected to disrupt RXYLT1 protein function with a positive predictive value of 80%. Experimental studies have shown that this missense change affects RXYLT1 function (PMID: 27733679). In summary, the currently available evidence indicates that the variant is pathogenic, but additional data are needed to prove that conclusively. Therefore, this variant has been classified as Likely Pathogenic.

Women's Health and Genetics/Laboratory Corporation of America, LabCorp
Classification: Likely pathogenic for Muscular dystrophy-dystroglycanopathy (congenital with brain and eye anomalies), type a, 10. Last evaluated: 2025-06-06. Review status: criteria provided, single submitter. Criteria: LabCorp Variant Classification Summary - May 2015. Collection method: clinical testing. Allele origin: germline.
Comment: Variant summary: RXYLT1 c.1016A>G (p.Tyr339Cys) results in a non-conservative amino acid change in the encoded protein sequence. Algorithms developed to predict the effect of missense changes on protein structure and function are either unavailable or do not agree on the potential impact of this missense change. The variant allele was found at a frequency of 2.1e-05 in 281516 control chromosomes. c.1016A>G has been observed in homozygous and compound heterozygous fetuses affected with cobblestone lissencephaly and other clinical features of Muscular Dystrophy-Dystroglycanopathy (congenital With Brain And Eye Anomalies), Type A, 10 (e.g. Vuillaumier-Barrot_2012). These data indicate that the variant is likely to be associated with disease. One publication reports experimental evidence evaluating an impact on protein function, however, additional evidence is necessary to allow convincing conclusions about the variant effect (e.g. Manya_2016). The following publications have been ascertained in the context of this evaluation (PMID: 27733679, 23217329). ClinVar contains an entry for this variant (Variation ID: 39604). Based on the evidence outlined above, the variant was classified as likely pathogenic.

Mayo Clinic Laboratories, Mayo Clinic
Classification: Likely pathogenic. Last evaluated: 2025-02-19. Review status: criteria provided, single submitter. Criteria: ACMG Guidelines, 2015. Collection method: clinical testing. Allele origin: germline. Observed: 1 variant allele.
Comment: PP3_moderate, PP4, PM2_supporting, PM3, PS3_supporting

Laboratory for Molecular Medicine, Mass General Brigham Personalized Medicine
Classification: Likely pathogenic for Walker-Warburg congenital muscular dystrophy. Last evaluated: 2015-12-17. Review status: criteria provided, single submitter. Criteria: LMM Criteria. Collection method: clinical testing. Allele origin: germline. Inheritance: Autosomal recessive inheritance. Observed: 1 variant allele.
Comment: The p.Tyr339Cys variant in TMEM5 has been reported in two families with cobblest one lissencephaly. In one family two affected fetuses were homozygous and in the second family the affected fetus was compound heterozygous for this variant (V uillaumier-Barrot 2012). This variant has been identified in 3/66734 of European chromosomes by the Exome Aggregation Consortium (ExAC; dbSNP rs150736997). Although it has been seen in the general population, its frequency is low enough to be consistent with a recessive carrier frequency . Computational prediction tools and conservation analysis suggest that the p.Ty r339Cys variant may impact the protein, though this information is not predictiv e enough to determine pathogenicity. In summary, although additional studies are required to fully establish its clinical significance, the p.Tyr339Cys variant is likely pathogenic.

Neuberg Centre For Genomic Medicine, NCGM
Classification: Pathogenic for Muscular dystrophy-dystroglycanopathy (congenital with brain and eye anomalies), type a, 10. Review status: criteria provided, single submitter. Criteria: ACMG Guidelines, 2015. Collection method: clinical testing. Allele origin: germline. Affected: yes.
Comment: The missense variant p.Y339C in RXYLT1 (NM_014254.3) has been reported in homozygous and compound heterozygous state in affected patients (Vuillaumier-Barrot et al). Functional studies have depicted a damaging effect. The variant has been submitted to ClinVar with conflicting interpretations of pathogenicity: Pathogenic and VUS. The p.Y339C variant is observed in 4/1,13,374 (0.0035%) alleles from individuals of European (Non-Finnish) background in gnomAD Exomes and is novel (not in any individuals) in 1000 Genomes. The p.Y339C missense variant is predicted to be damaging by both SIFT and PolyPhen2. The tyrosine residue at codon 339 of RXYLT1 is conserved in all mammalian species. The nucleotide c.1016 in RXYLT1 is predicted conserved by GERP++ and PhyloP across 100 vertebrates. For these reasons, this variant has been classified as Pathogenic.

OMIM
Classification: Pathogenic for MUSCULAR DYSTROPHY-DYSTROGLYCANOPATHY (CONGENITAL WITH BRAIN AND EYE ANOMALIES), TYPE A, 10. Last evaluated: 2012-12-07. Review status: no assertion criteria provided. Collection method: literature only. Allele origin: germline. Not counted in ClinVar's aggregate classification.

Literature cited by the submitters: PubMed 23217329 (cited by 5 submitters); PubMed 27733679 (cited by 3 submitters); PubMed 30609409 (cited by Mayo Clinic Laboratories, Mayo Clinic).